The following is an entry in ClinVar:

ClinVar aggregate classification (germline): Conflicting classifications of pathogenicity. Review status: criteria provided, conflicting classifications (1 of 4 stars). 3 submissions from 3 submitters: Uncertain significance (2); Likely benign (1). Last evaluated 2024-02-26.

Conditions:
Hereditary cancer-predisposing syndrome. Also called: Neoplastic Syndromes, Hereditary; Hereditary neoplastic syndrome; Hereditary Cancer Syndrome; Tumor predisposition. Identifiers: Orphanet 140162, MedGen C0027672, MeSH D009386, MONDO:0015356.
Fanconi anemia complementation group O. Also called: RAD51C-Related Fanconi Anemia. Identifiers: Orphanet 84, MedGen C3150653, MONDO:0013248, OMIM 613390.
Breast-ovarian cancer, familial, susceptibility to, 3. Also called: RAD51C-Related Breast/Ovarian Cancer. Identifiers: Orphanet 145, MedGen C3150659, MONDO:0013253, OMIM 613399.

Submissions (3):

Ambry Genetics
Classification: Likely benign for Hereditary cancer-predisposing syndrome. Last evaluated: 2024-02-26. Review status: criteria provided, single submitter. Criteria: Ambry Variant Classification Scheme 2023. Collection method: clinical testing. Allele origin: germline.

Hereditary Cancer Group, L’Institut d'Investigació Biomèdica de Bellvitge
Classification: Uncertain significance for Breast-ovarian cancer, familial, susceptibility to, 3. Last evaluated: 2021-05-03. Review status: criteria provided, single submitter. Criteria: ACMG Guidelines, 2015. Collection method: curation. Allele origin: germline.

Labcorp Genetics (formerly Invitae), Labcorp
Classification: Uncertain significance for Fanconi anemia complementation group O. Last evaluated: 2020-12-01. Review status: criteria provided, single submitter. Criteria: Invitae Variant Classification Sherloc (09022015). Collection method: clinical testing. Allele origin: germline.
Comment: This sequence change replaces threonine with serine at codon 5 of the RAD51C protein (p.Thr5Ser). The threonine residue is weakly conserved and there is a small physicochemical difference between threonine and serine. This variant is not present in population databases (ExAC no frequency). This variant has not been reported in the literature in individuals with RAD51C-related conditions. Algorithms developed to predict the effect of missense changes on protein structure and function (SIFT, PolyPhen-2, Align-GVGD) all suggest that this variant is likely to be tolerated, but these predictions have not been confirmed by published functional studies and their clinical significance is uncertain. In summary, the available evidence is currently insufficient to determine the role of this variant in disease. Therefore, it has been classified as a Variant of Uncertain Significance.

Literature cited by the submitters: PubMed 30306255 (cited by Hereditary Cancer Group, L’Institut d'Investigació Biomèdica de Bellvitge).

NM_058216.3(RAD51C):c.13A>T (p.Thr5Ser)

Gene: RAD51C (RAD51 paralog C; plus strand). Cytogenetic location: 17q22.
Variant type: single nucleotide variant.
Coding change: c.13A>T on transcript NM_058216.3 (MANE Select); coding-DNA position 13, A replaced by T.
Protein change: p.Thr5Ser; replaces threonine 5 with serine.
Molecular consequence: missense variant. On other transcripts: non-coding transcript variant (2).
Genome position (GRCh38, 1-based): chr17:58,692,656, A>T. VCF-style: chr17-58692656-A-T. GRCh37 (hg19) VCF-style: chr17-56770017-A-T.
Other names: c.13A>T (NM_058216.1); c.13A>T, p.Thr5Ser (NM_002876.4); short protein forms T5S.
Identifiers: ClinVar variation 1098884 (VCV001098884.10), dbSNP rs1314517659, ClinGen allele CA400336152.